The following is an entry in ClinVar:

NM_018008.4(FEZF2):c.1298_1302del (p.Lys433fs)

Gene: FEZF2 (FEZ family zinc finger 2; minus strand). Cytogenetic location: 3p14.2.
Variant type: Deletion.
Coding change: c.1298_1302del on transcript NM_018008.4 (MANE Select); coding-DNA positions 1298 to 1302, 5 bases deleted (AGAAA; older notation c.1298_1302delAGAAA).
Protein change: p.Lys433fs; shifts the reading frame from lysine 433.
Molecular consequence: frameshift variant.
Genome position (GRCh38, 1-based): chr3:62,370,161-62,370,165, TTTCT deleted on the plus strand (AGAAA on the coding strand, the reverse complement: FEZF2 is on the minus strand); deleting any 5 consecutive bases within chr3:62,370,161-62,370,167 gives the same sequence; the c. name uses the placement nearest the transcript's 3' end. VCF-style (leftmost placement, unchanged base first): chr3-62370160-GTTTCT-G. GRCh37 (hg19) VCF-style: chr3-62355835-GTTTCT-G.
Other names: short protein forms K433fs.
Identifiers: ClinVar variation 4280601 (VCV004280601.1).

ClinVar aggregate classification (germline): Likely pathogenic (1 of 4 stars; one submission).

Conditions:
FEZF2-related neurodevelopmental condition.

Submission:

Applied Translational Genetics Group, University of Auckland
Classification: Likely pathogenic for FEZF2-related neurodevelopmental condition. Last evaluated: 2025-10-08. Review status: criteria provided, single submitter. Criteria: ACMG Guidelines, 2015. Collection method: research. Allele origin: de novo. Inheritance: Autosomal dominant inheritance. Affected: yes. Observed: 1 heterozygote.
Comment: NM_018008.4:c.1298_1302del is a frameshift variant at position 433 in the FEZF2 gene that results in an early termination 21 amino acids downstream from the mutation, resulting in a premature stop codon which likely results in an absent or disrupted protein product (PVS1). The variant is absent in the gnomAD population database, as would be expected for a rare genetic condition (PM2). The variant has been identified as a de novo occurrence in a family without family history, but without confirmation of paternity and maternity (PM6). Heterozygous mutations in FEZF2 are reported as causative for in the autosomal dominant condition FEZF2-related neurodevelopmental disorder (Gene2Phenotype: G2P03755, PMID: 38425142) In summary, this variant meets criteria to be classified as likely pathogenic for FEZF2-related neurodevelopmental disorder based on the ACMG/AMP criteria applied: PM2, PVS1, PM6

Literature cited by the submitters: PubMed 38425142; PubMed 40756852.